The following is an entry in ClinVar:

NM_000551.4(VHL):c.*2034T>G

Genes: VHL (von Hippel-Lindau tumor suppressor; plus strand), LOC107303340 (3p25 von Hippel-Lindau tumor suppressor, E3 ubiquitin protein ligase Alu-mediated recombination region; plus strand). Cytogenetic location: 3p25.3.
Variant type: single nucleotide variant.
Coding change: c.*2034T>G on transcript NM_000551.4 (MANE Select); 2034 bases downstream of the stop codon, T replaced by G.
Molecular consequence: 3 prime UTR variant.
Genome position (GRCh38, 1-based): chr3:10,151,999, T>G. VCF-style: chr3-10151999-T-G. GRCh37 (hg19) VCF-style: chr3-10193683-T-G.
Other names: c.*2230T>G (NM_001354723.2); c.*2034T>G (NM_198156.3).
Identifiers: ClinVar variation 342459 (VCV000342459.6), dbSNP rs1136249, ClinGen allele CA10616681.

ClinVar aggregate classification (germline): Benign. Review status: criteria provided, multiple submitters, no conflicts (2 of 4 stars). 2 submissions from 2 submitters: Benign (2). Last evaluated 2018-01-13.

Conditions:
Von Hippel-Lindau syndrome (VHLS). Also called: Von Hippel-Lindau; von Hippel–Lindau syndrome; VHL syndrome. Identifiers: Orphanet 892, MedGen C0019562, MONDO:0008667, OMIM 193300. Disease mechanism: loss of function.

Allele frequency attached by ClinVar (database versions not stated): 1000 Genomes Project 30x 0.53373; TOPMed 0.54795; 1000 Genomes Project 0.54892; gnomAD exomes 0.67181.
gnomAD v4.1: 100,307 of 170,922 alleles (59%); highest among the groups gnomAD compares: East Asian, 75%; 32,435 homozygotes.

Submissions (2):

Illumina Laboratory Services, Illumina
Classification: Benign for Von Hippel-Lindau syndrome. Last evaluated: 2018-01-13. Review status: criteria provided, single submitter. Criteria: ICSL Variant Classification Criteria 13 December 2019. Collection method: clinical testing. Allele origin: germline.
Comment: This variant was observed in the ICSL laboratory as part of a predisposition screen in an ostensibly healthy population. It had not been previously curated by ICSL or reported in the Human Gene Mutation Database (HGMD: prior to June 1st, 2018), and was therefore a candidate for classification through an automated scoring system. Utilizing variant allele frequency, disease prevalence and penetrance estimates, and inheritance mode, an automated score was calculated to assess if this variant is too frequent to cause the disease. Based on the score and internal cut-off values, a variant classified as benign is not then subjected to further curation. The score for this variant resulted in a classification of benign for this disease.

Breakthrough Genomics
Classification: Benign. Review status: criteria provided, single submitter. Criteria: ACMG Guidelines, 2015. Collection method: not provided. Allele origin: germline. Inheritance: Autosomal recessive inheritance. Affected: yes.